The following is an entry in ClinVar:

ClinVar aggregate classification (germline): Uncertain significance. Review status: criteria provided, multiple submitters, no conflicts (2 of 4 stars). 3 submissions from 3 submitters: Uncertain significance (2). 1 of the submissions does not count toward it. Last evaluated 2022-03-07.

Conditions:
Inborn genetic diseases. Identifiers: MedGen C0950123, MeSH D030342.
Charcot-Marie-Tooth disease. Also called: Charcot-Marie-Tooth Hereditary Neuropathy; Charcot-Marie-Tooth Neuropathy. Identifiers: Orphanet 166, MedGen C0007959, MONDO:0015626.
Charcot-Marie-Tooth disease type 2E (CMT2E). Also called: CHARCOT-MARIE-TOOTH NEUROPATHY, TYPE 2E; CHARCOT-MARIE-TOOTH DISEASE, AXONAL, TYPE 2E. Identifiers: Orphanet 99939, MedGen C1843225, MONDO:0011894, OMIM 607684.

Allele frequency attached by ClinVar (database versions not stated): gnomAD exomes 0.00001; TOPMed 0.00001; gnomAD 0.00002.

Submissions (3):

Labcorp Genetics (formerly Invitae), Labcorp
Classification: Uncertain significance for Charcot-Marie-Tooth disease type 2E. Last evaluated: 2022-03-07. Review status: criteria provided, single submitter. Criteria: Invitae Variant Classification Sherloc (09022015). Collection method: clinical testing. Allele origin: germline.
Comment: In summary, the available evidence is currently insufficient to determine the role of this variant in disease. Therefore, it has been classified as a Variant of Uncertain Significance. ClinVar contains an entry for this variant (Variation ID: 646801). This variant has not been reported in the literature in individuals affected with NEFL-related conditions. This variant is present in population databases (no rsID available, gnomAD 0.01%). This sequence change replaces aspartic acid, which is acidic and polar, with alanine, which is neutral and non-polar, at codon 248 of the NEFL protein (p.Asp248Ala).

Ambry Genetics
Classification: Uncertain significance for Inborn genetic diseases. Last evaluated: 2020-02-28. Review status: criteria provided, single submitter. Criteria: Ambry Variant Classification Scheme 2023. Collection method: clinical testing. Allele origin: germline.
Comment: The p.D248A variant (also known as c.743A>C), located in coding exon 1 of the NEFL gene, results from an A to C substitution at nucleotide position 743. The aspartic acid at codon 248 is replaced by alanine, an amino acid with dissimilar properties. This amino acid position is not well conserved in available vertebrate species. In addition, the in silico prediction for this alteration is inconclusive. Since supporting evidence is limited at this time, the clinical significance of this alteration remains unclear.

Inherited Neuropathy Consortium
Classification: Likely pathogenic for Charcot-Marie-Tooth disease. Review status: no assertion criteria provided. Collection method: provider interpretation. Allele origin: inherited. Affected: yes. Not counted in ClinVar's aggregate classification.

NM_006158.5(NEFL):c.743A>C (p.Asp248Ala)

Gene: NEFL (neurofilament light chain; minus strand). Cytogenetic location: 8p21.2.
Variant type: single nucleotide variant.
Coding change: c.743A>C on transcript NM_006158.5 (MANE Select); coding-DNA position 743, A replaced by C.
Protein change: p.Asp248Ala; replaces aspartic acid 248 with alanine.
Molecular consequence: missense variant.
Genome position (GRCh38, 1-based): chr8:24,955,773, T>G on the plus strand (A>C on the coding strand, the complement: NEFL is on the minus strand). VCF-style: chr8-24955773-T-G. GRCh37 (hg19) VCF-style: chr8-24813287-T-G.
Other names: short protein forms D248A.
Identifiers: ClinVar variation 646801 (VCV000646801.8), dbSNP rs927119938, ClinGen allele CA174060839.